The following is an entry in ClinVar:

NM_000440.3(PDE6A):c.2275-1G>A

Gene: PDE6A (phosphodiesterase 6A; minus strand). Cytogenetic location: 5q32.
Variant type: single nucleotide variant.
Coding change: c.2275-1G>A on transcript NM_000440.3 (MANE Select); the canonical splice acceptor site of the intron before coding-DNA position 2275, G replaced by A.
Molecular consequence: splice acceptor variant.
Genome position (GRCh38, 1-based): chr5:149,866,254, C>T on the plus strand (G>A on the coding strand, the complement: PDE6A is on the minus strand). VCF-style: chr5-149866254-C-T. GRCh37 (hg19) VCF-style: chr5-149245817-C-T.
Other names: c.2032-1G>A (NM_001410788.1).
Identifiers: ClinVar variation 631962 (VCV000631962.17), dbSNP rs1428612396, ClinGen allele CA361688471.

ClinVar aggregate classification (germline): Pathogenic/Likely pathogenic. Review status: criteria provided, multiple submitters, no conflicts (2 of 4 stars). 4 submissions from 4 submitters: Pathogenic (2); Likely pathogenic (2). Last evaluated 2025-05-29.

Conditions:
Retinitis pigmentosa 43 (RP43). Identifiers: Orphanet 791, MedGen C3151139, MONDO:0013437, OMIM 613810.
PDE6A-related disorder. Also called: PDE6A-related condition.

Allele frequency attached by ClinVar (database versions not stated): gnomAD exomes below 0.00001; TOPMed 0.00002; gnomAD 0.00005 and 0.00006.

Submissions (4):

Labcorp Genetics (formerly Invitae), Labcorp
Classification: Pathogenic. Last evaluated: 2025-05-29. Review status: criteria provided, single submitter. Criteria: Invitae Variant Classification Sherloc (09022015). Collection method: clinical testing. Allele origin: germline.
Comment: This sequence change affects an acceptor splice site in intron 19 of the PDE6A gene. It is expected to disrupt RNA splicing. Variants that disrupt the donor or acceptor splice site typically lead to a loss of protein function (PMID: 16199547), and loss-of-function variants in PDE6A are known to be pathogenic (PMID: 7493036, 22128245, 23847139). This variant is present in population databases (no rsID available, gnomAD 0.03%). Disruption of this splice site has been observed in individuals with autosomal recessive retinitis pigmentosa (PMID: 30029497; internal data). ClinVar contains an entry for this variant (Variation ID: 631962). Algorithms developed to predict the effect of sequence changes on RNA splicing suggest that this variant may disrupt the consensus splice site. For these reasons, this variant has been classified as Pathogenic.

Illumina Laboratory Services, Illumina
Classification: Pathogenic for Retinitis pigmentosa 43. Last evaluated: 2024-11-22. Review status: criteria provided, single submitter. Criteria: ICSLVariantClassificationCriteria RUGD 01 April 2020. Collection method: clinical testing. Allele origin: unknown.
Comment: The PDE6A c.2275-1G>A variant results in a substitution at the consensus splice acceptor site, which is predicted to result in splicing defects that may lead to a truncated protein. This variant has been identified in trans with a pathogenic variant in individuals with a phenotype consistent with retinitis pigmentosa. This variant is not observed at a significant frequency in version 4.1.0 of the Genome Aggregation Database. Multiple lines of computational evidence suggest the variant may impact the gene or gene product. Based on the evidence the c.2275-1G>A variant is classified as pathogenic for retinitis pigmentosa.

GeneDx
Classification: Likely pathogenic. Last evaluated: 2023-04-10. Review status: criteria provided, single submitter. Criteria: GeneDx Variant Classification Process June 2021. Collection method: clinical testing. Allele origin: germline. Affected: yes.
Comment: Canonical splice site variant expected to result in aberrant splicing, although in the absence of functional evidence the actual effect of this sequence change is unknown.; Has not been previously published as pathogenic or benign in association with PDE6A-related retinitis pigmentosa to our knowledge; This variant is associated with the following publications: (PMID: 31964843)

Blueprint Genetics
Classification: Likely pathogenic for PDE6A-related disorders. Last evaluated: 2022-07-29. Review status: criteria provided, single submitter. Criteria: ACMG Guidelines, 2015. Collection method: clinical testing. Allele origin: germline. Affected: yes. Observed: 3 variant alleles.

Literature cited by the submitters: PubMed 16199547 (cited by Labcorp Genetics (formerly Invitae), Labcorp); PubMed 7493036 (cited by Labcorp Genetics (formerly Invitae), Labcorp); PubMed 22128245 (cited by Labcorp Genetics (formerly Invitae), Labcorp); PubMed 23847139 (cited by Labcorp Genetics (formerly Invitae), Labcorp); PubMed 30029497 (cited by Labcorp Genetics (formerly Invitae), Labcorp).